The following is an entry in ClinVar:

NM_024105.4(ALG12):c.953C>T (p.Pro318Leu)

Gene: ALG12 (ALG12 alpha-1,6-mannosyltransferase; minus strand). Cytogenetic location: 22q13.33.
Variant type: single nucleotide variant.
Coding change: c.953C>T on transcript NM_024105.4 (MANE Select); coding-DNA position 953, C replaced by T.
Protein change: p.Pro318Leu; replaces proline 318 with leucine.
Molecular consequence: missense variant.
Genome position (GRCh38, 1-based): chr22:49,907,760, G>A on the plus strand (C>T on the coding strand, the complement: ALG12 is on the minus strand). VCF-style: chr22-49907760-G-A. GRCh37 (hg19) VCF-style: chr22-50301408-G-A.
Other names: short protein forms P318L.
Identifiers: ClinVar variation 1445547 (VCV001445547.6), dbSNP rs2147584901, ClinGen allele CA412073555.

ClinVar aggregate classification (germline): Uncertain significance (1 of 4 stars; one submission).

Conditions:
ALG12-congenital disorder of glycosylation (CDG1G). Also called: Congenital disorder of glycosylation, type Ig; ALG12-CDG; CDG Ig. Identifiers: Orphanet 79324, MedGen C2931001, MONDO:0011783, OMIM 607143.

Submission:

Labcorp Genetics (formerly Invitae), Labcorp
Classification: Uncertain significance for ALG12-congenital disorder of glycosylation. Last evaluated: 2024-01-02. Review status: criteria provided, single submitter. Criteria: Invitae Variant Classification Sherloc (09022015). Collection method: clinical testing. Allele origin: germline.
Comment: This sequence change replaces proline, which is neutral and non-polar, with leucine, which is neutral and non-polar, at codon 318 of the ALG12 protein (p.Pro318Leu). This variant is not present in population databases (gnomAD no frequency). This variant has not been reported in the literature in individuals affected with ALG12-related conditions. ClinVar contains an entry for this variant (Variation ID: 1445547). Advanced modeling of protein sequence and biophysical properties (such as structural, functional, and spatial information, amino acid conservation, physicochemical variation, residue mobility, and thermodynamic stability) performed at Invitae indicates that this missense variant is expected to disrupt ALG12 protein function with a positive predictive value of 80%. In summary, the available evidence is currently insufficient to determine the role of this variant in disease. Therefore, it has been classified as a Variant of Uncertain Significance.